The following is an entry in ClinVar:

NM_000059.4(BRCA2):c.5554G>T (p.Val1852Phe)

Gene: BRCA2 (BRCA2 DNA repair associated; plus strand). Cytogenetic location: 13q13.1.
Variant type: single nucleotide variant.
Coding change: c.5554G>T on transcript NM_000059.4 (MANE Select); coding-DNA position 5554, G replaced by T.
Protein change: p.Val1852Phe; replaces valine 1852 with phenylalanine.
Molecular consequence: missense variant.
Genome position (GRCh38, 1-based): chr13:32,339,909, G>T. VCF-style: chr13-32339909-G-T. GRCh37 (hg19) VCF-style: chr13-32914046-G-T.
Other names: short protein forms V1852F.
Identifiers: ClinVar variation 41554 (VCV000041554.16), dbSNP rs80358777, ClinGen allele CA022551.

ClinVar aggregate classification (germline): Conflicting classifications of pathogenicity. Review status: criteria provided, conflicting classifications (1 of 4 stars). 4 submissions from 4 submitters: Uncertain significance (2); Likely benign (1). 1 of the submissions does not count toward it. Last evaluated 2025-06-25.

Conditions:
Hereditary cancer-predisposing syndrome. Also called: Hereditary neoplastic syndrome; Neoplastic Syndromes, Hereditary; Hereditary Cancer Syndrome; Tumor predisposition. Identifiers: Orphanet 140162, MedGen C0027672, MeSH D009386, MONDO:0015356.
Hereditary breast ovarian cancer syndrome. Also called: Hereditary breast and/or ovarian cancer syndrome; Hereditary breast and ovarian cancer syndrome; Hereditary breast and ovarian cancer syndrome (HBOC); BRCA1- and BRCA2-Associated Hereditary Breast and Ovarian Cancer; Hereditary breast and ovarian cancer; Breast and ovarian cancer. Identifiers: Orphanet 145, MedGen C0677776, MeSH D061325, MONDO:0003582. Disease mechanism: loss of function.

gnomAD v4.1: 1 of 1,608,446 alleles (0.000062%); no homozygotes.

Submissions (4):

Ambry Genetics
Classification: Uncertain significance for Hereditary cancer-predisposing syndrome. Last evaluated: 2025-06-25. Review status: criteria provided, single submitter. Criteria: Ambry Variant Classification Scheme 2023. Collection method: clinical testing. Allele origin: germline.
Comment: The p.V1852F variant (also known as c.5554G>T), located in coding exon 10 of the BRCA2 gene, results from a G to T substitution at nucleotide position 5554. The valine at codon 1852 is replaced by phenylalanine, an amino acid with highly similar properties. This amino acid position is not well conserved in available vertebrate species. In addition, the in silico prediction for this alteration is inconclusive. Based on the available evidence, the clinical significance of this variant remains unclear.

Labcorp Genetics (formerly Invitae), Labcorp
Classification: Uncertain significance for Hereditary breast ovarian cancer syndrome. Last evaluated: 2024-05-20. Review status: criteria provided, single submitter. Criteria: Invitae Variant Classification Sherloc (09022015). Collection method: clinical testing. Allele origin: germline.
Comment: This sequence change replaces valine, which is neutral and non-polar, with phenylalanine, which is neutral and non-polar, at codon 1852 of the BRCA2 protein (p.Val1852Phe). This variant is present in population databases (rs80358777, gnomAD 0.3%). This variant has not been reported in the literature in individuals affected with BRCA2-related conditions. ClinVar contains an entry for this variant (Variation ID: 41554). Advanced modeling of protein sequence and biophysical properties (such as structural, functional, and spatial information, amino acid conservation, physicochemical variation, residue mobility, and thermodynamic stability) performed at Invitae indicates that this missense variant is not expected to disrupt BRCA2 protein function with a negative predictive value of 95%. In summary, the available evidence is currently insufficient to determine the role of this variant in disease. Therefore, it has been classified as a Variant of Uncertain Significance.

University of Washington Department of Laboratory Medicine, University of Washington
Classification: Likely benign for Hereditary cancer-predisposing syndrome. Last evaluated: 2023-03-23. Review status: criteria provided, single submitter. Criteria: Dines et al. (Genet Med. 2020). Collection method: curation. Allele origin: germline.
Comment: Missense variant in a coldspot region where missense variants are very unlikely to be pathogenic (PMID:31911673).

BRCA2 exon 11 coldspot. Reclassification based on statistical prior probability.

Biesecker Lab/Clinical Genomics Section, National Institutes of Health
Classification: Uncertain significance. Last evaluated: 2012-07-13. Review status: no assertion criteria provided. Collection method: research. Allele origin: germline. Affected: no. Observed: 1 variant allele. Study: ClinSeq. Not counted in ClinVar's aggregate classification.
ClinVar note: Converted during submission from variant of unknown significance to Uncertain significance.